The following is an entry in ClinVar:

NM_001122630.2(CDKN1C):c.788-1G>A

Gene: CDKN1C (cyclin dependent kinase inhibitor 1C; minus strand). Cytogenetic location: 11p15.4.
Variant type: single nucleotide variant.
Coding change: c.788-1G>A on transcript NM_001122630.2 (MANE Select); the canonical splice acceptor site of the intron before coding-DNA position 788, G replaced by A.
Molecular consequence: splice acceptor variant.
Genome position (GRCh38, 1-based): chr11:2,884,135, C>T on the plus strand (G>A on the coding strand, the complement: CDKN1C is on the minus strand). VCF-style: chr11-2884135-C-T. GRCh37 (hg19) VCF-style: chr11-2905365-C-T.
Other names: c.256-1G>A (NM_001362475.2); c.788-1G>A (NM_001122631.2); c.821-1G>A (NM_001362474.2, NM_000076.2).
Identifiers: ClinVar variation 986022 (VCV000986022.6), dbSNP rs1848884556, ClinGen allele CA379145174.

ClinVar aggregate classification (germline): Likely pathogenic (1 of 4 stars; one submission).

Conditions:
Inborn genetic diseases. Identifiers: MedGen C0950123, MeSH D030342.

Submission:

Ambry Genetics
Classification: Likely pathogenic for Inborn genetic diseases. Last evaluated: 2023-12-01. Review status: criteria provided, single submitter. Criteria: Ambry Variant Classification Scheme 2023. Collection method: clinical testing. Allele origin: germline.
Comment: The c.821-1G>A intronic alteration consists of a G to A substitution one nucleotide before coding exon 2 of the CDKN1C gene. This alteration occurs at the 3' terminus of the CDKN1C gene, is not expected to trigger nonsense-mediated mRNA decay, and impacts the last 43 amino acids (13.6%) of the protein. The exact functional effect of this alteration is unknown; however, the impacted region is critical for protein function and a significant portion of the protein is affected (Ambry internal data)._x000D_ _x000D_ for Beckwith-Wiedemann syndrome; however, it is unlikely to be causative of IMAGe syndrome. This variant was not reported in population-based cohorts in the Genome Aggregation Database (gnomAD). Another alteration impacting the same acceptor site (c.821-2A>G) has been described in a patient with features consistent with Beckwith-Wiedemann syndrome including overgrowth, mild macroglossia, flat vascular malformation in glabella, omphalocele, and inguinal hernia (Romanelli, 2010). This nucleotide position is conserved in available vertebrate species with limited sequence alignment. The resulting truncated protein from the c.821-1G>A alteration is predicted to be missing the PCNA-binding domain (Arboleda, 2012). In silico splice site analysis predicts that this alteration will weaken the native splice acceptor site. Based on the available evidence, this alteration is classified as likely pathogenic.

Literature cited by the submitters: PubMed 20503313; PubMed 22634751.